The following is an entry in ClinVar:

ClinVar aggregate classification (germline): Pathogenic. Review status: criteria provided, multiple submitters, no conflicts (2 of 4 stars). 2 submissions from 2 submitters: Pathogenic (2). Last evaluated 2024-09-27.

Conditions:
Neurodegeneration with brain iron accumulation (NBIA). Identifiers: Orphanet 385, MedGen C2931845, MONDO:0018307.
Autosomal recessive spastic paraplegia type 78. Identifiers: Orphanet 513436, MedGen C5567893, MONDO:0014975, OMIM 617225.

Submissions (2):

Progenie Molecular
Classification: Pathogenic for Autosomal recessive spastic paraplegia type 78. Last evaluated: 2024-09-27. Review status: criteria provided, single submitter. Criteria: ACMG Guidelines, 2015. Collection method: clinical testing. Allele origin: germline. Inheritance: Autosomal recessive inheritance. Affected: yes and no. Observed: 6 variant alleles, 3 heterozygotes, 3 compound heterozygotes. Clinical features observed: Spastic paraplegia (HP:0001258), Lower limb spasticity (HP:0002061), Gait disturbance (HP:0001288), Urinary urgency (HP:0000012), Contracture of palmar fascia (HP:0005679).
Comment: In silico analysis predicted that the c.2097delC is probably deleterious, causing a frameshift that generates a premature stop codon, which is expected to cause nonsense-mediated mRNA decay and absence of the protein. Null effect of the ATP13A2 gene is a known cause of the disease. The variant was absent in gnomAD, 1000 Genomes and European Variation Archive. In summary, we consider the c.2097delC variant to be pathogenic, as it meets the ACMG-AMP PVS1, PM2 and PP1 criteria.

Women's Health and Genetics/Laboratory Corporation of America, LabCorp
Classification: Pathogenic for Neurodegeneration with brain iron accumulation. Last evaluated: 2024-07-30. Review status: criteria provided, single submitter. Criteria: LabCorp Variant Classification Summary - May 2015. Collection method: clinical testing. Allele origin: germline.
Comment: Variant summary: ATP13A2 c.2097delC (p.Ser700AlafsX8) results in a premature termination codon, predicted to cause a truncation of the encoded protein or absence of the protein due to nonsense mediated decay, which are commonly known mechanisms for disease. The variant was absent in 250412 control chromosomes. To our knowledge, no occurrence of c.2097delC in individuals affected with Neurodegeneration With Brain Iron Accumulation/Autosomal Recessive Kufor-Rakeb syndrome/AR-Spastic paraplegia 78, and no experimental evidence demonstrating its impact on protein function have been reported. ClinVar contains an entry for this variant (Variation ID: 2663862). Based on the evidence outlined above, the variant was classified as pathogenic.

NM_022089.4(ATP13A2):c.2097del (p.Ser700fs)

Gene: ATP13A2 (ATPase cation transporting 13A2; minus strand). Cytogenetic location: 1p36.13.
Variant type: Deletion.
Coding change: c.2097del on transcript NM_022089.4 (MANE Select); coding-DNA position 2097, one base deleted (C; older notation c.2097delC).
Protein change: p.Ser700fs; shifts the reading frame from serine 700.
Molecular consequence: frameshift variant.
Genome position (GRCh38, 1-based): chr1:16,992,038, G deleted on the plus strand (C on the coding strand, the reverse complement: ATP13A2 is on the minus strand); the first of 3 consecutive G bases (chr1:16,992,038-16,992,040); deleting any one gives the same sequence. VCF-style (leftmost placement, unchanged base first): chr1-16992037-TG-T. GRCh37 (hg19) VCF-style: chr1-17318532-TG-T.
Other names: c.2082del, p.Ser695fs (NM_001141973.3, NM_001141974.3); c.2097delC (NM_022089.4); short protein forms S695fs, S700fs.
Identifiers: ClinVar variation 2663862 (VCV002663862.4), dbSNP rs2523268622.
Genomic context (GRCh38, chr1:16,992,037, plus strand): 5'-CTCAGAGTGGGTGGGACAGGAGACAGGCCCACCTCGTCAGTTGCTGGGCTGCCTCCAGGC[TG>T]GGCACAGTGGGCAGTGGCTTGCTGGCCAGGGCCACGACACGGTAGCCAGCAGCTGTATAG-3'